The following is an entry in ClinVar:

ClinVar aggregate classification (germline): Pathogenic. Review status: criteria provided, multiple submitters, no conflicts (2 of 4 stars). 4 submissions from 4 submitters: Pathogenic (2). 2 of the submissions do not count toward it. Last evaluated 2025-12-08.

Conditions:
Phelan-McDermid syndrome. Also called: Phelan-McDermid Syndrome-SHANK3 Related; TELOMERIC 22q13 MONOSOMY SYNDROME; 22q13.3 deletion syndrome. Identifiers: Orphanet 48652, MedGen C1853490, MONDO:0011652, OMIM 606232.

Submissions (4):

3billion
Classification: Pathogenic for Phelan-McDermid syndrome. Last evaluated: 2025-12-08. Review status: criteria provided, single submitter. Criteria: ACMG Guidelines, 2015. Collection method: clinical testing. Allele origin: germline. Affected: yes.
Comment: The variant is not observed in the gnomAD v4.1.0 dataset. Predicted Consequence/Location: Stop-gained (nonsense): predicted to result in a loss or disruption of normal protein function through nonsense-mediated decay (NMD) or protein truncation. Multiple pathogenic variants are reported downstream of the variant. The variant has been reported at least twice as pathogenic without evidence for the classification (ClinVar ID: VCV001175032 /3billion dataset). Therefore, this variant is classified as Pathogenic according to the recommendation of ACMG/AMP guideline.

GeneDx
Classification: Pathogenic. Last evaluated: 2025-02-02. Review status: criteria provided, single submitter. Criteria: GeneDx Variant Classification Process June 2021. Collection method: clinical testing. Allele origin: germline.
Comment: Reported as a de novo variant in a patient with a developmental disorder in published literature; however, no further phenotypic information was provided (PMID: 38113761); Nonsense variant predicted to result in protein truncation or nonsense mediated decay in a gene for which loss of function is a known mechanism of disease; Not observed at significant frequency in large population cohorts (gnomAD); This variant is associated with the following publications: (PMID: 38113761)

Diagnostic Laboratory, Department of Genetics, University Medical Center Groningen
Classification: Pathogenic. Review status: no assertion criteria provided. Collection method: clinical testing. Allele origin: germline. Affected: yes. Study: VKGL Data-share Consensus. Not counted in ClinVar's aggregate classification.

Joint Genome Diagnostic Labs from Nijmegen and Maastricht, Radboudumc and MUMC+
Classification: Pathogenic. Review status: no assertion criteria provided. Collection method: clinical testing. Allele origin: germline. Affected: yes. Study: VKGL Data-share Consensus. Not counted in ClinVar's aggregate classification.

NM_001372044.2(SHANK3):c.4090C>T (p.Gln1364Ter)

Gene: SHANK3 (SH3 and multiple ankyrin repeat domains 3; plus strand). Cytogenetic location: 22q13.33.
Variant type: single nucleotide variant.
Coding change: c.4090C>T on transcript NM_001372044.2 (MANE Select); coding-DNA position 4090, C replaced by T.
Protein change: p.Gln1364Ter; replaces glutamine 1364 with a stop codon.
Molecular consequence: nonsense.
Genome position (GRCh38, 1-based): chr22:50,721,698, C>T. VCF-style: chr22-50721698-C-T. GRCh37 (hg19) VCF-style: chr22-51160126-C-T.
Other names: c.3865C>T (NM_033517.1); short protein forms Q1364*.
Identifiers: ClinVar variation 1175032 (VCV001175032.10), dbSNP rs1038102194, ClinGen allele CA325579586.